The following is an entry in ClinVar:

ClinVar aggregate classification (germline): Uncertain significance (1 of 4 stars; one submission).

Conditions:
FREM2-related disorder. Also called: FREM2-related condition.

Submission:

PreventionGenetics, part of Exact Sciences
Classification: Uncertain significance for FREM2-related condition. Last evaluated: 2023-05-23. Review status: criteria provided, single submitter. Criteria: ACMG Guidelines, 2015. Collection method: clinical testing. Allele origin: germline.
Comment: The FREM2 c.6379+5G>A variant is predicted to interfere with splicing. To our knowledge, this variant has not been reported in the literature or in a large population database, indicating this variant is rare. At this time, the clinical significance of this variant is uncertain due to the absence of conclusive functional and genetic evidence.

NM_207361.6(FREM2):c.6379+5G>A

Gene: FREM2 (FRAS1 related extracellular matrix 2; plus strand). Cytogenetic location: 13q13.3.
Variant type: single nucleotide variant.
Coding change: c.6379+5G>A on transcript NM_207361.6 (MANE Select); 5 bases into the intron after coding-DNA position 6379, G replaced by A.
Molecular consequence: intron variant.
Genome position (GRCh38, 1-based): chr13:38,848,675, G>A. VCF-style: chr13-38848675-G-A. GRCh37 (hg19) VCF-style: chr13-39422812-G-A.
Identifiers: ClinVar variation 2636478 (VCV002636478.1), dbSNP rs2541486848, ClinGen allele CA2695199733.
Genomic context (GRCh38, chr13:38,848,675, plus strand): 5'-AGCCCTTGGCGAGCCCAGCAAAGCCACAGTGTCCATAAATGACTCTGTCTCCGATTGTGA[G>A]TGTTTATTAATTTTATAATTTACAATGATAATTGAAATCATAAGCTAAGGTTTATGTATA-3'